The following is an entry in ClinVar:

ClinVar aggregate classification (germline): Likely benign. Review status: criteria provided, multiple submitters, no conflicts (2 of 4 stars). 3 submissions from 3 submitters: Likely benign (3). Last evaluated 2026-01-14.

Submissions (3):

Labcorp Genetics (formerly Invitae), Labcorp
Classification: Likely benign. Last evaluated: 2026-01-14. Review status: criteria provided, single submitter. Criteria: Invitae Variant Classification Sherloc (09022015). Collection method: clinical testing. Allele origin: germline.

CeGaT Center for Human Genetics Tuebingen
Classification: Likely benign. Last evaluated: 2024-11-01. Review status: criteria provided, single submitter. Criteria: CeGaT Center For Human Genetics Tuebingen Variant Classification Criteria Version 2. Collection method: clinical testing. Allele origin: germline. Affected: yes. Observed: 2 variant alleles.
Comment: CYC1: BS2

GeneDx
Classification: Likely benign. Last evaluated: 2020-08-18. Review status: criteria provided, single submitter. Criteria: GeneDx Variant Classification Process June 2021. Collection method: clinical testing. Allele origin: germline. Affected: yes.

NM_001916.5(CYC1):c.456_461dupGGAGGT

Gene: CYC1 (cytochrome c1; plus strand). Cytogenetic location: 8q24.3.
Variant type: Duplication.
Coding change: c.456_461dupGGAGGT on transcript NM_001916.5 (MANE Select); coding-DNA positions 456 to 461, 6 bases duplicated (GGAGGT).
Molecular consequence: splice acceptor variant.
Genome position (GRCh38, 1-based): chr8:144,096,339-144,096,344, GGAGGT duplicated; duplicating any 6 consecutive bases within chr8:144,096,335-144,096,344 gives the same sequence; the c. name uses the placement nearest the transcript's 3' end. VCF-style (leftmost placement, unchanged base first): chr8-144096334-C-CAGGTGG. GRCh37 (hg19) VCF-style: chr8-145151237-C-CAGGTGG.
Identifiers: ClinVar variation 1209419 (VCV001209419.39), dbSNP rs762080014, ClinGen allele CA4933399.